The following is an entry in ClinVar:

ClinVar aggregate classification (germline): Uncertain significance. Review status: criteria provided, multiple submitters, no conflicts (2 of 4 stars). 2 submissions from 2 submitters: Uncertain significance (2). Last evaluated 2026-01-26.

Conditions:
Hereditary cancer-predisposing syndrome. Also called: Neoplastic Syndromes, Hereditary; Tumor predisposition; Hereditary Cancer Syndrome; Hereditary neoplastic syndrome. Identifiers: Orphanet 140162, MedGen C0027672, MeSH D009386, MONDO:0015356.
Familial adenomatous polyposis 1 (FAP1). Also called: FAMILIAL ADENOMATOUS POLYPOSIS 1, ATTENUATED; POLYPOSIS, ADENOMATOUS INTESTINAL. Identifiers: MedGen C2713442, MONDO:0021056, OMIM 175100. Disease mechanism: loss of function.

Allele frequency attached by ClinVar (database versions not stated): gnomAD exomes below 0.00001.
gnomAD v4.1: 1 of 1,613,858 alleles (0.000062%); highest among the groups gnomAD compares: Non-Finnish European, 0.000085%; no homozygotes.

Submissions (2):

Labcorp Genetics (formerly Invitae), Labcorp
Classification: Uncertain significance for Familial adenomatous polyposis 1. Last evaluated: 2026-01-26. Review status: criteria provided, single submitter. Criteria: Invitae Variant Classification Sherloc (09022015). Collection method: clinical testing. Allele origin: germline.
Comment: This sequence change replaces aspartic acid, which is acidic and polar, with asparagine, which is neutral and polar, at codon 512 of the APC protein (p.Asp512Asn). This variant is not present in population databases (gnomAD no frequency). This variant has not been reported in the literature in individuals affected with APC-related conditions. ClinVar contains an entry for this variant (Variation ID: 231430). Invitae Evidence Modeling of protein sequence and biophysical properties (such as structural, functional, and spatial information, amino acid conservation, physicochemical variation, residue mobility, and thermodynamic stability) indicates that this missense variant is not expected to disrupt APC protein function with a negative predictive value of 95%. In summary, the available evidence is currently insufficient to determine the role of this variant in disease. Therefore, it has been classified as a Variant of Uncertain Significance.

Ambry Genetics
Classification: Uncertain significance for Hereditary cancer-predisposing syndrome. Last evaluated: 2023-05-20. Review status: criteria provided, single submitter. Criteria: Ambry Variant Classification Scheme 2023. Collection method: clinical testing. Allele origin: germline.
Comment: The p.D512N variant (also known as c.1534G>A), located in coding exon 11 of the APC gene, results from a G to A substitution at nucleotide position 1534. The aspartic acid at codon 512 is replaced by asparagine, an amino acid with highly similar properties. This amino acid position is highly conserved in available vertebrate species. In addition, in silico predictors for this gene do not accurately predict pathogenicity. Since supporting evidence is limited at this time, the clinical significance of this alteration remains unclear.

NM_000038.6(APC):c.1534G>A (p.Asp512Asn)

Gene: APC (APC regulator of Wnt signaling pathway; plus strand). Cytogenetic location: 5q22.2.
Variant type: single nucleotide variant.
Coding change: c.1534G>A on transcript NM_000038.6 (MANE Select); coding-DNA position 1534, G replaced by A.
Protein change: p.Asp512Asn; replaces aspartic acid 512 with asparagine.
Molecular consequence: missense variant.
Genome position (GRCh38, 1-based): chr5:112,827,233, G>A. VCF-style: chr5-112827233-G-A. GRCh37 (hg19) VCF-style: chr5-112162930-G-A.
Other names: c.1534G>A, p.Asp512Asn (NM_001127510.3, NM_001354895.2); c.1480G>A, p.Asp494Asn (NM_001127511.3); c.1588G>A, p.Asp530Asn (NM_001354896.2); c.1564G>A, p.Asp522Asn (NM_001354897.2); c.1459G>A, p.Asp487Asn (NM_001354898.2); c.1450G>A, p.Asp484Asn (NM_001354899.2); c.1411G>A, p.Asp471Asn (NM_001354900.2); c.1357G>A, p.Asp453Asn (NM_001354901.2); and 5 more; short protein forms D494N, D512N, D352N, D421N, D530N, D484N, D487N, D522N.
Identifiers: ClinVar variation 231430 (VCV000231430.9), dbSNP rs876659153, ClinGen allele CA10578318.
Genomic context (GRCh38, chr5:112,827,233, plus strand): 5'-CACTACAGTATTACACTAAGACGATATGCTGGAATGGCTTTGACAAACTTGACTTTTGGA[G>A]ATGTAGCCAACAAGGTATGTTTTTATAACATGTATTTCTTAAGATAGCTCAGGTATGAGT-3'
Protein context (NP_000029.2, residues 502-522): GMALTNLTFG[Asp512Asn]VANKATLCSM